The following is an entry in ClinVar:

ClinVar aggregate classification (germline): Conflicting classifications of pathogenicity. Review status: criteria provided, conflicting classifications (1 of 4 stars). 6 submissions from 6 submitters: Uncertain significance (1); Benign (1); Likely benign (4). Last evaluated 2026-07-01.

Conditions:
Posterior column ataxia-retinitis pigmentosa syndrome (RETSNS). Also called: RETINOPATHY-SENSORY NEUROPATHY SYNDROME. Identifiers: Orphanet 88628, MedGen C1836916, MONDO:0012177, OMIM 609033.

Allele frequency attached by ClinVar (database versions not stated): ESP Exome Variant Server 0.00169; gnomAD exomes 0.00170 and 0.00239; ExAC 0.00188; gnomAD 0.00200 and 0.00210; 1000 Genomes Project 0.00240; TOPMed 0.00263; 1000 Genomes Project 30x 0.00312.
gnomAD v4.1: 3,797 of 1,613,816 alleles (0.24%); highest among the groups gnomAD compares: Admixed American, 0.29%; 8 homozygotes.

Submissions (6):

CeGaT Center for Human Genetics Tuebingen
Classification: Likely benign. Last evaluated: 2026-07-01. Review status: criteria provided, single submitter. Criteria: CeGaT Center For Human Genetics Tuebingen Variant Classification Criteria Version 2. Collection method: clinical testing. Allele origin: germline. Affected: yes. Observed: 14 variant alleles.
Comment: FLVCR1: BP4, BS2

Labcorp Genetics (formerly Invitae), Labcorp
Classification: Likely benign. Last evaluated: 2026-01-12. Review status: criteria provided, single submitter. Criteria: Invitae Variant Classification Sherloc (09022015). Collection method: clinical testing. Allele origin: germline.

Athena Diagnostics
Classification: Likely benign. Last evaluated: 2024-12-26. Review status: criteria provided, single submitter. Criteria: Athena Diagnostics Criteria. Collection method: clinical testing. Allele origin: unknown.
Comment: The frequency of this variant in the general population is higher than would generally be expected for pathogenic variants in this gene. Computational tools predict this amino acid change may be benign.

Blueprint Genetics
Classification: Likely benign. Last evaluated: 2024-11-26. Review status: criteria provided, single submitter. Criteria: ACMG Guidelines, 2015. Collection method: clinical testing. Allele origin: germline.

Mayo Clinic Laboratories, Mayo Clinic
Classification: Benign. Last evaluated: 2024-11-04. Review status: criteria provided, single submitter. Criteria: ACMG Guidelines, 2015. Collection method: clinical testing. Allele origin: germline. Observed: 4 variant alleles.
Comment: BS1, BS2, BP4

Illumina Laboratory Services, Illumina
Classification: Uncertain significance for Posterior column ataxia-retinitis pigmentosa syndrome. Last evaluated: 2018-01-13. Review status: criteria provided, single submitter. Criteria: ICSL Variant Classification Criteria 13 December 2019. Collection method: clinical testing. Allele origin: germline.

Literature cited by the submitters: PubMed 32483926 (cited by Mayo Clinic Laboratories, Mayo Clinic).

NM_014053.4(FLVCR1):c.952G>A (p.Glu318Lys)

Gene: FLVCR1 (FLVCR choline and heme transporter 1; plus strand). Cytogenetic location: 1q32.3.
Variant type: single nucleotide variant.
Coding change: c.952G>A on transcript NM_014053.4 (MANE Select); coding-DNA position 952, G replaced by A.
Protein change: p.Glu318Lys; replaces glutamic acid 318 with lysine.
Molecular consequence: missense variant.
Genome position (GRCh38, 1-based): chr1:212,872,746, G>A. VCF-style: chr1-212872746-G-A. GRCh37 (hg19) VCF-style: chr1-213046088-G-A.
Other names: short protein forms E318K.
Identifiers: ClinVar variation 295319 (VCV000295319.52), dbSNP rs41297444, ClinGen allele CA1386005.